The following is an entry in ClinVar:

ClinVar aggregate classification (germline): Likely benign. Review status: criteria provided, multiple submitters, no conflicts (2 of 4 stars). 2 submissions from 2 submitters: Likely benign (2). Last evaluated 2018-06-13.

Submissions (2):

GeneDx
Classification: Likely benign. Last evaluated: 2018-06-13. Review status: criteria provided, single submitter. Criteria: GeneDx Variant Classification (06012015). Collection method: clinical testing. Allele origin: germline. Affected: yes.
Comment: This variant is considered likely benign or benign based on one or more of the following criteria: it is a conservative change, it occurs at a poorly conserved position in the protein, it is predicted to be benign by multiple in silico algorithms, and/or has population frequency not consistent with disease.

Breakthrough Genomics
Classification: Likely benign. Review status: criteria provided, single submitter. Criteria: ACMG Guidelines, 2015. Collection method: not provided. Allele origin: germline. Inheritance: Unknown mechanism. Affected: yes.

NM_001080779.2(MYO1C):c.1020+42C>G

Gene: MYO1C (myosin IC; minus strand). Cytogenetic location: 17p13.3.
Variant type: single nucleotide variant.
Coding change: c.1020+42C>G on transcript NM_001080779.2 (MANE Select); 42 bases into the intron after coding-DNA position 1020, C replaced by G.
Molecular consequence: intron variant.
Genome position (GRCh38, 1-based): chr17:1,479,550, G>C on the plus strand (C>G on the coding strand, the complement: MYO1C is on the minus strand). VCF-style: chr17-1479550-G-C. GRCh37 (hg19) VCF-style: chr17-1382844-G-C.
Other names: c.915+42C>G (NM_033375.5); c.963+42C>G (NM_001080950.2); c.948+42C>G (NM_001363855.1).
Identifiers: ClinVar variation 682944 (VCV000682944.2), dbSNP rs113932235, ClinGen allele CA8267735.